The following is an entry in ClinVar:

ClinVar aggregate classification (germline): Uncertain significance. Review status: criteria provided, multiple submitters, no conflicts (2 of 4 stars). 2 submissions from 2 submitters: Uncertain significance (2). Last evaluated 2025-06-02.

Conditions:
Anauxetic dysplasia. Identifiers: Orphanet 93347, MedGen C1846796, MONDO:0011773.

Allele frequency attached by ClinVar (database versions not stated): gnomAD exomes 0.00006; ExAC 0.00038; gnomAD 0.00007; TOPMed 0.00009.

Submissions (2):

Women's Health and Genetics/Laboratory Corporation of America, LabCorp
Classification: Uncertain significance. Last evaluated: 2025-06-02. Review status: criteria provided, single submitter. Criteria: LabCorp Variant Classification Summary - May 2015. Collection method: clinical testing. Allele origin: germline.
Comment: Variant summary: RMRP n.272T>C (also known as NC_000009.11: chr9:g.35657744A>G) is located in the untranscribed region downstream of the RMRP gene region. The variant was absent in 122628 control chromosomes. The available data on variant occurrences in the general population are insufficient to allow any conclusion about variant significance. To our knowledge, no occurrence of n.272T>C in individuals affected with Cartilage-Hair Hypoplasia and no experimental evidence demonstrating its impact on protein function have been reported. ClinVar contains an entry for this variant (Variation ID: 2202574). Based on the evidence outlined above, the variant was classified as uncertain significance.

Labcorp Genetics (formerly Invitae), Labcorp
Classification: Uncertain significance for Anauxetic dysplasia. Last evaluated: 2022-06-20. Review status: criteria provided, single submitter. Criteria: Invitae Variant Classification Sherloc (09022015). Collection method: clinical testing. Allele origin: germline.
Comment: This variant occurs in the RMRP gene, which encodes an RNA molecule that does not result in a protein product. This variant is present in population databases (rs775067778, gnomAD 0.07%). This variant has not been reported in the literature in individuals affected with RMRP-related conditions. Experimental studies and prediction algorithms are not available or were not evaluated, and the functional significance of this variant is currently unknown. In summary, the available evidence is currently insufficient to determine the role of this variant in disease. Therefore, it has been classified as a Variant of Uncertain Significance.

NC_000009.12:g.35657747A>G

Gene: RMRP (RNA component of mitochondrial RNA processing endoribonuclease; minus strand). Cytogenetic location: 9p13.3.
Variant type: single nucleotide variant.
Genome position: GRCh38 VCF-style: chr9-35657747-A-G. GRCh37 (hg19) VCF-style: chr9-35657744-A-G.
Identifiers: ClinVar variation 2202574 (VCV002202574.2), dbSNP rs775067778, ClinGen allele CA5045804.